The following is an entry in ClinVar:

NM_021167.5(GATAD1):c.96T>G (p.His32Gln)

Genes: GATAD1 (GATA zinc finger domain containing 1; plus strand), LOC129998793 (ATAC-STARR-seq lymphoblastoid silent region 18371; plus strand). Cytogenetic location: 7q21.2.
Variant type: single nucleotide variant.
Coding change: c.96T>G on transcript NM_021167.5 (MANE Select); coding-DNA position 96, T replaced by G.
Protein change: p.His32Gln; replaces histidine 32 with glutamine.
Molecular consequence: missense variant. On other transcripts: non-coding transcript variant (1).
Genome position (GRCh38, 1-based): chr7:92,447,825, T>G. VCF-style: chr7-92447825-T-G. GRCh37 (hg19) VCF-style: chr7-92077139-T-G.
Other names: short protein forms H32Q.
Identifiers: ClinVar variation 228696 (VCV000228696.22), dbSNP rs532003876, ClinGen allele CA4340228.
Genomic context (GRCh38, chr7:92,447,825, plus strand): 5'-CAAGACCACGTCGTCCTCCATGTGGAAGAAGGGAGCGCAGGGGGAGATCCTCTGCCATCA[T>G]TGCACTGGCCGGGGCGGCGCGGGCAGCGGGGGCGCAGGCTCGGGGGCGGCTGGAGGGACT-3'
Protein context (NP_066990.3, residues 22-42): KGAQGEILCH[His32Gln]CTGRGGAGSG

ClinVar aggregate classification (germline): Conflicting classifications of pathogenicity. Review status: criteria provided, conflicting classifications (1 of 4 stars). 6 submissions from 6 submitters: Uncertain significance (3); Likely benign (2). 1 of the submissions does not count toward it. Last evaluated 2026-01-25.

Conditions:
GATAD1-related disorder. Also called: GATAD1-related condition.
Cardiovascular phenotype. Identifiers: MedGen CN230736.
Dilated cardiomyopathy 2B. Identifiers: Orphanet 154, MedGen C3553409, MONDO:0013848, OMIM 614672.

Allele frequency attached by ClinVar (database versions not stated): gnomAD exomes 0.00005; ExAC 0.00021; 1000 Genomes Project 0.00080; 1000 Genomes Project 30x 0.00094; TOPMed 0.00096; gnomAD 0.00099.
gnomAD v4.1: 220 of 1,471,886 alleles (0.015%); highest among the groups gnomAD compares: African/African-American, 0.3%; 1 homozygote.

Submissions (6):

Labcorp Genetics (formerly Invitae), Labcorp
Classification: Likely benign for Dilated cardiomyopathy 2B. Last evaluated: 2026-01-25. Review status: criteria provided, single submitter. Criteria: Invitae Variant Classification Sherloc (09022015). Collection method: clinical testing. Allele origin: germline.

Ambry Genetics
Classification: Uncertain significance for Cardiovascular phenotype. Last evaluated: 2025-07-12. Review status: criteria provided, single submitter. Criteria: Ambry Variant Classification Scheme 2023. Collection method: clinical testing. Allele origin: germline.
Comment: The p.H32Q variant (also known as c.96T>G), located in coding exon 1 of the GATAD1 gene, results from a T to G substitution at nucleotide position 96. The histidine at codon 32 is replaced by glutamine, an amino acid with highly similar properties. This variant was reported in a sudden death case with limited clinical details provided (Subbotina E et al. Forensic Sci Int, 2018 Dec;293:37-46). This amino acid position is well conserved in available vertebrate species. In addition, the in silico prediction for this alteration is inconclusive. Since supporting evidence is limited at this time, the clinical significance of this alteration remains unclear.

Center for Genomics, Ann and Robert H. Lurie Children's Hospital of Chicago
Classification: Uncertain significance for Dilated cardiomyopathy 2B. Last evaluated: 2021-03-30. Review status: criteria provided, single submitter. Criteria: ACMG Guidelines, 2015. Collection method: clinical testing. Allele origin: germline.
Comment: GATAD1 NM_021167.4 exon 1 p.His32Gln (c.96T>G): This variant has not been reported in the literature but is present in 0.3% (34/10848) of African alleles in the Genome Aggregation Database. This variant is present in ClinVar (Variation ID:228696). Evolutionary conservation for this variant is limited or unavailable; computational predictive tools suggest that this variant may not impact the protein. In summary, data on this variant is insufficient for disease classification. Therefore, the clinical significance of this variant is uncertain.

GeneDx
Classification: Likely benign. Last evaluated: 2020-06-08. Review status: criteria provided, single submitter. Criteria: GeneDx Variant Classification Process June 2021. Collection method: clinical testing. Allele origin: germline. Affected: yes.
Comment: This variant is associated with the following publications: (PMID: 30391667)

Laboratory for Molecular Medicine, Mass General Brigham Personalized Medicine
Classification: Uncertain significance. Last evaluated: 2015-01-05. Review status: criteria provided, single submitter. Criteria: LMM Criteria. Collection method: clinical testing. Allele origin: germline. Observed: 1 variant allele.
Comment: The p.His32Gln variant in GATAD1 has not been previously reported in individuals with cardiomyopathy, but has been identified in 0.2% (2/1260) of African Americ an chromosomes by the Exome Aggregation Consortium (ExAC; dbSNP rs532003876). Computational prediction tools and conservation an alysis do not provide strong support for or against an impact to the protein. In summary, the clinical significance of the p.His32Gln variant is uncertain.

PreventionGenetics, part of Exact Sciences
Classification: Likely benign for GATAD1-related condition. Last evaluated: 2022-03-09. Review status: no assertion criteria provided. Collection method: clinical testing. Allele origin: germline. Not counted in ClinVar's aggregate classification.
Comment: This variant is classified as likely benign based on ACMG/AMP sequence variant interpretation guidelines (Richards et al. 2015 PMID: 25741868, with internal and published modifications).

Literature cited by the submitters: PubMed 30391667 (cited by Ambry Genetics).